The following is an entry in ClinVar:

ClinVar aggregate classification (germline): Uncertain significance (1 of 4 stars; one submission).

Allele frequency attached by ClinVar (database versions not stated): gnomAD exomes below 0.00001.

Submission:

Women's Health and Genetics/Laboratory Corporation of America, LabCorp
Classification: Uncertain significance. Last evaluated: 2023-03-15. Review status: criteria provided, single submitter. Criteria: LabCorp Variant Classification Summary - May 2015. Collection method: clinical testing. Allele origin: germline.
Comment: Variant summary: HNRPDL (HNRNPDL) c.328C>T (p.Gln110X) results in a premature termination codon, predicted to cause a truncation of the encoded protein or absence of the protein due to nonsense mediated decay. However, at this time there is insufficient evidence supporting that loss of function variants in this gene are associated with disease. The variant was absent in 281184 control chromosomes (gnomAD). The available data on variant occurrences in the general population are insufficient to allow any conclusion about variant significance. To our knowledge, no occurrence of c.328C>T in individuals affected with Autosomal Dominant Limb-Girdle Muscular Dystrophy Type 1G and no experimental evidence demonstrating its impact on protein function have been reported. No clinical diagnostic laboratories have submitted clinical-significance assessments for this variant to ClinVar after 2014. Based on the evidence outlined above, the variant was classified as uncertain significance.

NM_031372.4(HNRNPDL):c.328C>T (p.Gln110Ter)

Gene: HNRNPDL (heterogeneous nuclear ribonucleoprotein D like; minus strand). Cytogenetic location: 4q21.22.
Variant type: single nucleotide variant.
Coding change: c.328C>T on transcript NM_031372.4 (MANE Select); coding-DNA position 328, C replaced by T.
Protein change: p.Gln110Ter; replaces glutamine 110 with a stop codon.
Molecular consequence: nonsense. On other transcripts: non-coding transcript variant (1).
Genome position (GRCh38, 1-based): chr4:82,429,363, G>A on the plus strand (C>T on the coding strand, the complement: HNRNPDL is on the minus strand). VCF-style: chr4-82429363-G-A. GRCh37 (hg19) VCF-style: chr4-83350516-G-A.
Other names: c.328C>T, p.Gln110Ter (NM_001207000.1); short protein forms Q110*.
Identifiers: ClinVar variation 2501266 (VCV002501266.1), dbSNP rs2530023250, ClinGen allele CA357172594.